The following is an entry in ClinVar:

NM_001161352.2(KCNMA1):c.1486G>T (p.Ala496Ser)

Gene: KCNMA1 (potassium calcium-activated channel subfamily M alpha 1; minus strand). Cytogenetic location: 10q22.3.
Variant type: single nucleotide variant.
Coding change: c.1486G>T on transcript NM_001161352.2 (MANE Select); coding-DNA position 1486, G replaced by T.
Protein change: p.Ala496Ser; replaces alanine 496 with serine.
Molecular consequence: missense variant.
Genome position (GRCh38, 1-based): chr10:77,084,674, C>A on the plus strand (G>T on the coding strand, the complement: KCNMA1 is on the minus strand). VCF-style: chr10-77084674-C-A. GRCh37 (hg19) VCF-style: chr10-78844432-C-A.
Other names: c.1486G>T, p.Ala496Ser (NM_001014797.3, NM_001161353.2, NM_001271519.2 and 8 more transcripts); c.1324G>T, p.Ala442Ser (NM_001271518.2); c.946G>T, p.Ala316Ser (NM_001322838.2); short protein forms A316S, A442S, A496S.
Identifiers: ClinVar variation 2572333 (VCV002572333.1), dbSNP rs202213336, ClinGen allele CA377406681.

ClinVar aggregate classification (germline): Uncertain significance (1 of 4 stars; one submission).

Submission:

Greenwood Genetic Center Diagnostic Laboratories, Greenwood Genetic Center
Classification: Uncertain significance. Last evaluated: 2023-04-14. Review status: criteria provided, single submitter. Criteria: ACMG Guidelines, 2015. Collection method: clinical testing. Allele origin: germline. Affected: yes.
Comment: PM2